The following is an entry in ClinVar:

ClinVar aggregate classification (germline): Uncertain significance. Review status: criteria provided, multiple submitters, no conflicts (2 of 4 stars). 4 submissions from 3 submitters: Uncertain significance (4). Last evaluated 2023-02-16.

Conditions:
Adams-Oliver syndrome 5 (AOS5). Identifiers: Orphanet 974, MedGen C4014970, MONDO:0014459, OMIM 616028.
Aortic valve disease 1 (AOVD1). Identifiers: MedGen C3887892, MONDO:0024523, OMIM 109730.

Allele frequency attached by ClinVar (database versions not stated): gnomAD exomes below 0.00001.
gnomAD v4.1: 2 of 1,587,182 alleles (0.00013%); highest among the groups gnomAD compares: Non-Finnish European, 0.00017%; no homozygotes.

Submissions (4):

Labcorp Genetics (formerly Invitae), Labcorp
Classification: Uncertain significance for Adams-Oliver syndrome 5. Last evaluated: 2023-02-16. Review status: criteria provided, single submitter. Criteria: Invitae Variant Classification Sherloc (09022015). Collection method: clinical testing. Allele origin: germline.
Comment: This sequence change replaces glycine, which is neutral and non-polar, with alanine, which is neutral and non-polar, at codon 1339 of the NOTCH1 protein (p.Gly1339Ala). This variant is not present in population databases (gnomAD no frequency). This variant has not been reported in the literature in individuals affected with NOTCH1-related conditions. ClinVar contains an entry for this variant (Variation ID: 430554). An algorithm developed to predict the effect of missense changes on protein structure and function (PolyPhen-2) suggests that this variant is likely to be tolerated. In summary, the available evidence is currently insufficient to determine the role of this variant in disease. Therefore, it has been classified as a Variant of Uncertain Significance.

Genome-Nilou Lab
Classification: Uncertain significance for Adams-Oliver syndrome 5. Last evaluated: 2022-03-15. Review status: criteria provided, single submitter. Criteria: ACMG Guidelines, 2015. Collection method: clinical testing. Allele origin: germline. Affected: no.

Genome-Nilou Lab
Classification: Uncertain significance for Aortic valve disease 1. Last evaluated: 2022-03-15. Review status: criteria provided, single submitter. Criteria: ACMG Guidelines, 2015. Collection method: clinical testing. Allele origin: germline. Affected: no.

GeneDx
Classification: Uncertain significance. Last evaluated: 2017-05-24. Review status: criteria provided, single submitter. Criteria: GeneDx Variant Classification (06012015). Collection method: clinical testing. Allele origin: germline. Affected: yes.
Comment: A variant of uncertain significance has been identified in the NOTCH1 gene. The G1339A variant has not been published as pathogenic or been reported as benign to our knowledge. This variant is not observed in large population cohorts (Lek et al., 2016; 1000 Genomes Consortium et al., 2015; Exome Variant Server). This substitution occurs at a position that is conserved across species and in silico analysis predicts this variant is probably damaging to the protein structure/function. Nevertheless, the G1339A variant is a conservative amino acid substitution, which is not likely to impact secondary protein structure as these residues share similar properties.

NM_017617.5(NOTCH1):c.4016G>C (p.Gly1339Ala)

Gene: NOTCH1 (notch receptor 1; minus strand). Cytogenetic location: 9q34.3.
Variant type: single nucleotide variant.
Coding change: c.4016G>C on transcript NM_017617.5 (MANE Select); coding-DNA position 4016, G replaced by C.
Protein change: p.Gly1339Ala; replaces glycine 1339 with alanine.
Molecular consequence: missense variant.
Genome position (GRCh38, 1-based): chr9:136,505,880, C>G on the plus strand (G>C on the coding strand, the complement: NOTCH1 is on the minus strand). VCF-style: chr9-136505880-C-G. GRCh37 (hg19) VCF-style: chr9-139400332-C-G.
Other names: c.4016G>C, p.Gly1339Ala (LRG_1122t1); short protein forms G1339A.
Identifiers: ClinVar variation 430554 (VCV000430554.7), dbSNP rs1131692021, ClinGen allele CA375548420.